The following is an entry in ClinVar:

NM_002524.5(NRAS):c.500G>T (p.Arg167Leu)

Gene: NRAS (NRAS proto-oncogene, GTPase; minus strand). Cytogenetic location: 1p13.2.
Variant type: single nucleotide variant.
Coding change: c.500G>T on transcript NM_002524.5 (MANE Select); coding-DNA position 500, G replaced by T.
Protein change: p.Arg167Leu; replaces arginine 167 with leucine.
Molecular consequence: missense variant.
Genome position (GRCh38, 1-based): chr1:114,708,605, C>A on the plus strand (G>T on the coding strand, the complement: NRAS is on the minus strand). VCF-style: chr1-114708605-C-A. GRCh37 (hg19) VCF-style: chr1-115251226-C-A.
Other names: short protein forms R167L.
Identifiers: ClinVar variation 4799924 (VCV004799924.1).
Genomic context (GRCh38, chr1:114,708,605, plus strand): 5'-ACACATGGCAATCCCATACAACCCTGAGTCCCATCATCACTGCTGTTGAGTTTTTTCATT[C>A]GGTACTGGCGTATTTCTCTTACCAGTGTGTAAAAAGCATCTTCAACACCCTATAAAAGGA-3'
Protein context (NP_002515.1, residues 157-177): YTLVREIRQY[Arg167Leu]MKKLNSSDDG

ClinVar aggregate classification (germline): Uncertain significance (1 of 4 stars; one submission).

Conditions:
RASopathy. Also called: rasopathies; Noonan spectrum disorder. Identifiers: Orphanet 536391, MedGen C5555857, MONDO:0021060.

Submission:

Labcorp Genetics (formerly Invitae), Labcorp
Classification: Uncertain significance for RASopathy. Last evaluated: 2025-10-04. Review status: criteria provided, single submitter. Criteria: Invitae Variant Classification Sherloc (09022015). Collection method: clinical testing. Allele origin: germline.
Comment: This sequence change replaces arginine, which is basic and polar, with leucine, which is neutral and non-polar, at codon 167 of the NRAS protein (p.Arg167Leu). This variant is not present in population databases (gnomAD no frequency). This variant has not been reported in the literature in individuals affected with NRAS-related conditions. Invitae Evidence Modeling of protein sequence and biophysical properties (such as structural, functional, and spatial information, amino acid conservation, physicochemical variation, residue mobility, and thermodynamic stability) indicates that this missense variant is not expected to disrupt NRAS protein function with a negative predictive value of 95%. In summary, the available evidence is currently insufficient to determine the role of this variant in disease. Therefore, it has been classified as a Variant of Uncertain Significance.